The following is an entry in ClinVar:

ClinVar aggregate classification (germline): Likely benign (1 of 4 stars; one submission).

gnomAD v4.1: 4 of 1,614,058 alleles (0.00025%); highest among the groups gnomAD compares: East Asian, 0.0045%; no homozygotes.

Submission:

CeGaT Center for Human Genetics Tuebingen
Classification: Likely benign. Last evaluated: 2026-08-01. Review status: criteria provided, single submitter. Criteria: CeGaT Center For Human Genetics Tuebingen Variant Classification Criteria Version 2. Collection method: clinical testing. Allele origin: germline. Affected: yes. Observed: 1 variant allele.
Comment: PUM1: BP4, BP7

NM_001020658.2(PUM1):c.135A>G (p.Gln45=)

Gene: PUM1 (pumilio RNA binding family member 1; minus strand). Cytogenetic location: 1p35.2.
Variant type: single nucleotide variant.
Coding change: c.135A>G on transcript NM_001020658.2 (MANE Select); coding-DNA position 135, A replaced by G.
Protein change: p.Gln45=; no amino-acid change (glutamine 45 retained).
Molecular consequence: synonymous variant.
Genome position (GRCh38, 1-based): chr1:31,059,432, T>C on the plus strand (A>G on the coding strand, the complement: PUM1 is on the minus strand). VCF-style: chr1-31059432-T-C. GRCh37 (hg19) VCF-style: chr1-31532279-T-C.
Other names: c.135A>G, p.Gln45= (NM_014676.3).
Identifiers: ClinVar variation 5040475 (VCV005040475.1).
Genomic context (GRCh38, chr1:31,059,432, plus strand): 5'-GACAGGGCTGGAGTGAGTCCCAGCTGCAAGAGCCTGATTTGCAGCTGGTTGTGGCTGCGC[T>C]TGCGACCCTGTTCCAGATGTCAAAACAACAGGCATGTTGGGATTAGCTGGTTCTTGAGGG-3'
Protein context (NP_001018494.1, residues 35-55): PVVLTSGTGS[Gln45=]AQPQPAANQA